The following is an entry in ClinVar:

NM_000969.5(RPL5):c.*47T>C

Genes: DIPK1A (divergent protein kinase domain 1A; minus strand), RPL5 (ribosomal protein L5; plus strand). Cytogenetic location: 1p22.1.
Variant type: single nucleotide variant.
Coding change: c.*47T>C on transcript NM_000969.5 (MANE Select); 47 bases downstream of the stop codon, T replaced by C.
Molecular consequence: 3 prime UTR variant. On other transcripts: non-coding transcript variant (1), intron variant (1).
Genome position (GRCh38, 1-based): chr1:92,841,912, T>C. VCF-style: chr1-92841912-T-C. GRCh37 (hg19) VCF-style: chr1-93307469-T-C.
Other names: c.474+5271A>G (NM_001252273.2).
Identifiers: ClinVar variation 876584 (VCV000876584.6), dbSNP rs72968037, ClinGen allele CA952654.
Genomic context (GRCh38, chr1:92,841,912, plus strand): 5'-CTGCTGAGAGCTAAACCCAGCAATTTTCTATGATTTTTTCAGATATAGATAATAAACTTA[T>C]GAACAGCAACTATTTCTGTGTTAAGCTCTTATTCTTATGAACCTTATAGGAAATACCCTG-3'

ClinVar aggregate classification (germline): Benign (1 of 4 stars; one submission).

Conditions:
Diamond-Blackfan anemia 6 (DBA6). Also called: RPL5-Related Diamond-Blackfan Anemia. Identifiers: Orphanet 124, MedGen C2931850, MONDO:0012937, OMIM 612561.

Allele frequency attached by ClinVar (database versions not stated): gnomAD exomes 0.00049; ExAC 0.00062; gnomAD 0.00201 and 0.00213; TOPMed 0.00221; 1000 Genomes Project 30x 0.00422; ESP Exome Variant Server 0.00172; 1000 Genomes Project 0.00419.
gnomAD v4.1: 574 of 1,379,454 alleles (0.042%); highest among the groups gnomAD compares: African/African-American, 0.65%; no homozygotes.

Submission:

Illumina Laboratory Services, Illumina
Classification: Benign for Diamond-Blackfan anemia 6. Last evaluated: 2018-01-13. Review status: criteria provided, single submitter. Criteria: ICSL Variant Classification Criteria 13 December 2019. Collection method: clinical testing. Allele origin: germline.
Comment: This variant was observed in the ICSL laboratory as part of a predisposition screen in an ostensibly healthy population. It had not been previously curated by ICSL or reported in the Human Gene Mutation Database (HGMD: prior to June 1st, 2018), and was therefore a candidate for classification through an automated scoring system. Utilizing variant allele frequency, disease prevalence and penetrance estimates, and inheritance mode, an automated score was calculated to assess if this variant is too frequent to cause the disease. Based on the score and internal cut-off values, a variant classified as benign is not then subjected to further curation. The score for this variant resulted in a classification of benign for this disease.